The following is an entry in ClinVar:

NM_020949.3(SLC7A14):c.2089G>A (p.Asp697Asn)

Gene: SLC7A14 (solute carrier family 7 member 14; minus strand). Cytogenetic location: 3q26.2.
Variant type: single nucleotide variant.
Coding change: c.2089G>A on transcript NM_020949.3 (MANE Select); coding-DNA position 2089, G replaced by A.
Protein change: p.Asp697Asn; replaces aspartic acid 697 with asparagine.
Molecular consequence: missense variant.
Genome position (GRCh38, 1-based): chr3:170,467,282, C>T on the plus strand (G>A on the coding strand, the complement: SLC7A14 is on the minus strand). VCF-style: chr3-170467282-C-T. GRCh37 (hg19) VCF-style: chr3-170185070-C-T.
Other names: c.2089G>A (NM_020949.2); short protein forms D697N.
Identifiers: ClinVar variation 1954497 (VCV001954497.8), dbSNP rs751687361, ClinGen allele CA2701509.
Genomic context (GRCh38, chr3:170,467,282, plus strand): 5'-GGCTCTCGCCCTCTGTGGCGTAGGAGAAACCCTCCTCCACTGAGAAGGGGTCATCCACGT[C>T]GTAGCGTTGGTACGTGCTTTGGTGCAGGGCCTCTTCTCGAGCGCTGATTTCCAGGGTGCT-3'
Protein context (NP_066000.2, residues 687-707): ALHQSTYQRY[Asp697Asn]VDDPFSVEEG

ClinVar aggregate classification (germline): Uncertain significance. Review status: criteria provided, multiple submitters, no conflicts (2 of 4 stars). 3 submissions from 3 submitters: Uncertain significance (3). Last evaluated 2025-10-16.

Allele frequency attached by ClinVar (database versions not stated): gnomAD 0.00001; TOPMed 0.00001.
gnomAD v4.1: 8 of 1,614,120 alleles (0.0005%); highest among the groups gnomAD compares: East Asian, 0.0089%; no homozygotes.

Submissions (3):

Labcorp Genetics (formerly Invitae), Labcorp
Classification: Uncertain significance. Last evaluated: 2025-10-16. Review status: criteria provided, single submitter. Criteria: Invitae Variant Classification Sherloc (09022015). Collection method: clinical testing. Allele origin: germline.
Comment: This sequence change replaces aspartic acid, which is acidic and polar, with asparagine, which is neutral and polar, at codon 697 of the SLC7A14 protein (p.Asp697Asn). This variant is present in population databases (rs751687361, gnomAD 0.01%). This variant has not been reported in the literature in individuals affected with SLC7A14-related conditions. ClinVar contains an entry for this variant (Variation ID: 1954497). An algorithm developed to predict the effect of missense changes on protein structure and function (PolyPhen-2) suggests that this variant is likely to be tolerated. In summary, the available evidence is currently insufficient to determine the role of this variant in disease. Therefore, it has been classified as a Variant of Uncertain Significance.

Blueprint Genetics
Classification: Uncertain significance. Last evaluated: 2024-03-18. Review status: criteria provided, single submitter. Criteria: ACMG Guidelines, 2015. Collection method: clinical testing. Allele origin: germline.

Ambry Genetics
Classification: Uncertain significance. Last evaluated: 2023-02-22. Review status: criteria provided, single submitter. Criteria: Ambry Variant Classification Scheme 2023. Collection method: clinical testing. Allele origin: germline.